The following is an entry in ClinVar:

ClinVar aggregate classification (germline): Uncertain significance (1 of 4 stars; one submission).

Conditions:
Autosomal recessive dyskeratosis congenita. Identifiers: MedGen C3502105.
Hoyeraal-Hreidarsson syndrome (HHS). Also called: CEREBELLAR HYPOPLASIA WITH PANCYTOPENIA. Identifiers: Orphanet 3322, MedGen C1846142, MONDO:0018045.

Allele frequency attached by ClinVar (database versions not stated): gnomAD exomes below 0.00001; TOPMed 0.00001.
gnomAD v4.1: 4 of 1,613,980 alleles (0.00025%); highest among the groups gnomAD compares: Non-Finnish European, 0.00034%; no homozygotes.

Submission:

Labcorp Genetics (formerly Invitae), Labcorp
Classification: Uncertain significance for Hoyeraal-Hreidarsson syndrome; Autosomal recessive dyskeratosis congenita. Last evaluated: 2019-07-18. Review status: criteria provided, single submitter. Criteria: Invitae Variant Classification Sherloc (09022015). Collection method: clinical testing. Allele origin: germline.
Comment: In summary, the available evidence is currently insufficient to determine the role of this variant in disease. Therefore, it has been classified as a Variant of Uncertain Significance. Algorithms developed to predict the effect of missense changes on protein structure and function are either unavailable or do not agree on the potential impact of this missense change (SIFT: "Tolerated"; PolyPhen-2: "Possibly Damaging"; Align-GVGD: "Class C0"). This variant has not been reported in the literature in individuals with DCLRE1B-related conditions. This variant is not present in population databases (ExAC no frequency). This sequence change replaces serine with phenylalanine at codon 126 of the DCLRE1B protein (p.Ser126Phe). The serine residue is moderately conserved and there is a large physicochemical difference between serine and phenylalanine.

NM_022836.4(DCLRE1B):c.377C>T (p.Ser126Phe)

Gene: DCLRE1B (DNA cross-link repair 1B; plus strand). Cytogenetic location: 1p13.2.
Variant type: single nucleotide variant.
Coding change: c.377C>T on transcript NM_022836.4 (MANE Select); coding-DNA position 377, C replaced by T.
Protein change: p.Ser126Phe; replaces serine 126 with phenylalanine.
Molecular consequence: missense variant. On other transcripts: 5 prime UTR variant (3).
Genome position (GRCh38, 1-based): chr1:113,908,030, C>T. VCF-style: chr1-113908030-C-T. GRCh37 (hg19) VCF-style: chr1-114450652-C-T.
Other names: c.-2C>T (NM_001319946.2, NM_001319947.2, NM_001363691.2); c.377C>T, p.Ser126Phe (NM_001363690.2); short protein forms S126F.
Identifiers: ClinVar variation 951864 (VCV000951864.10), dbSNP rs1339289910, ClinGen allele CA341698846.